The following is an entry in ClinVar:

ClinVar aggregate classification (germline): Uncertain significance (1 of 4 stars; one submission).

Conditions:
Hereditary breast ovarian cancer syndrome. Also called: Hereditary breast and ovarian cancer syndrome (HBOC); Hereditary breast and ovarian cancer; Breast and ovarian cancer; Hereditary breast and/or ovarian cancer syndrome; BRCA1- and BRCA2-Associated Hereditary Breast and Ovarian Cancer; Hereditary breast and ovarian cancer syndrome. Identifiers: Orphanet 145, MedGen C0677776, MeSH D061325, MONDO:0003582. Disease mechanism: loss of function.

gnomAD v4.1: 1 of 1,614,100 alleles (0.000062%); highest among the groups gnomAD compares: East Asian, 0.0022%; no homozygotes.

Submission:

Labcorp Genetics (formerly Invitae), Labcorp
Classification: Uncertain significance for Hereditary breast ovarian cancer syndrome. Last evaluated: 2025-09-04. Review status: criteria provided, single submitter. Criteria: Invitae Variant Classification Sherloc (09022015). Collection method: clinical testing. Allele origin: germline.
Comment: This sequence change replaces glutamine, which is neutral and polar, with arginine, which is basic and polar, at codon 3066 of the BRCA2 protein (p.Gln3066Arg). This variant is not present in population databases (gnomAD no frequency). This variant has not been reported in the literature in individuals affected with BRCA2-related conditions. Invitae Evidence Modeling of protein sequence and biophysical properties (such as structural, functional, and spatial information, amino acid conservation, physicochemical variation, residue mobility, and thermodynamic stability) indicates that this missense variant is not expected to disrupt BRCA2 protein function with a negative predictive value of 95%. In summary, the available evidence is currently insufficient to determine the role of this variant in disease. Therefore, it has been classified as a Variant of Uncertain Significance.

NM_000059.4(BRCA2):c.9197A>G (p.Gln3066Arg)

Gene: BRCA2 (BRCA2 DNA repair associated; plus strand). Cytogenetic location: 13q13.1.
Variant type: single nucleotide variant.
Coding change: c.9197A>G on transcript NM_000059.4 (MANE Select); coding-DNA position 9197, A replaced by G.
Protein change: p.Gln3066Arg; replaces glutamine 3066 with arginine.
Molecular consequence: missense variant. On other transcripts: non-coding transcript variant (1).
Genome position (GRCh38, 1-based): chr13:32,380,086, A>G. VCF-style: chr13-32380086-A-G. GRCh37 (hg19) VCF-style: chr13-32954223-A-G.
Other names: c.9101A>G, p.Gln3034Arg (NM_001406719.1); c.9146A>G, p.Gln3049Arg (NM_001406720.1); c.4265A>G, p.Gln1422Arg (NM_001406721.1); c.2780A>G, p.Gln927Arg (NM_001406722.1); c.9197A>G, p.Gln3066Arg (NM_001432077.1); short protein forms Q1422R, Q3034R, Q3049R, Q3066R, Q927R.
Identifiers: ClinVar variation 4802363 (VCV004802363.1).